The following is an entry in ClinVar:

NM_001005498.4(RHBDF2):c.536C>T (p.Pro179Leu)

Gene: RHBDF2 (rhomboid 5 homolog 2; minus strand). Cytogenetic location: 17q25.1.
Variant type: single nucleotide variant.
Coding change: c.536C>T on transcript NM_001005498.4 (MANE Select); coding-DNA position 536, C replaced by T.
Protein change: p.Pro179Leu; replaces proline 179 with leucine.
Molecular consequence: missense variant. On other transcripts: non-coding transcript variant (3).
Genome position (GRCh38, 1-based): chr17:76,478,942, G>A on the plus strand (C>T on the coding strand, the complement: RHBDF2 is on the minus strand). VCF-style: chr17-76478942-G-A. GRCh37 (hg19) VCF-style: chr17-74475024-G-A.
Other names: c.536C>T, p.Pro179Leu (NM_001376228.1, NM_001376229.1, NM_001376230.1); c.623C>T, p.Pro208Leu (NM_024599.5); short protein forms P208L, P179L.
Identifiers: ClinVar variation 325455 (VCV000325455.25), dbSNP rs3744045, ClinGen allele CA8787319.

ClinVar aggregate classification (germline): Benign. Review status: criteria provided, multiple submitters, no conflicts (2 of 4 stars). 9 submissions from 9 submitters: Benign (7). 2 of the submissions do not count toward it. Last evaluated 2026-02-04.

Conditions:
Palmoplantar keratoderma-esophageal carcinoma syndrome (TOC). Also called: PALMOPLANTAR KERATODERMA WITH ESOPHAGEAL CANCER; KERATOSIS PALMARIS ET PLANTARIS WITH ESOPHAGEAL CANCER; Tylosis with Esophageal Cancer. Identifiers: Orphanet 2198, MedGen C1835664, MONDO:0007856, OMIM 148500.

Allele frequency attached by ClinVar (database versions not stated): 1000 Genomes Project 30x 0.75859; 1000 Genomes Project 0.76518; TOPMed 0.78933; ESP Exome Variant Server 0.79525; gnomAD 0.79851 and 0.80393; ExAC 0.87865; gnomAD exomes 0.88546 and 0.92082.
gnomAD v4.1: 1,455,437 of 1,601,076 alleles (91%); highest among the groups gnomAD compares: Non-Finnish European, 94%; 669,307 homozygotes.

Submissions (9):

Labcorp Genetics (formerly Invitae), Labcorp
Classification: Benign. Last evaluated: 2026-02-04. Review status: criteria provided, single submitter. Criteria: Invitae Variant Classification Sherloc (09022015). Collection method: clinical testing. Allele origin: germline.

Blueprint Genetics
Classification: Benign. Last evaluated: 2024-11-28. Review status: criteria provided, single submitter. Criteria: ACMG Guidelines, 2015. Collection method: clinical testing. Allele origin: germline.

KCCC/NGS Laboratory, Kuwait Cancer Control Center
Classification: Benign for Palmoplantar keratoderma-esophageal carcinoma syndrome. Last evaluated: 2023-07-07. Review status: criteria provided, single submitter. Criteria: ACMG Guidelines, 2015. Collection method: clinical testing. Allele origin: germline. Affected: yes.

Genome-Nilou Lab
Classification: Benign for Palmoplantar keratoderma-esophageal carcinoma syndrome. Last evaluated: 2021-11-07. Review status: criteria provided, single submitter. Criteria: ACMG Guidelines, 2015. Collection method: clinical testing. Allele origin: germline. Affected: no.

GeneDx
Classification: Benign. Last evaluated: 2018-11-12. Review status: criteria provided, single submitter. Criteria: GeneDx Variant Classification Process June 2021. Collection method: clinical testing. Allele origin: germline. Affected: yes.

Illumina Laboratory Services, Illumina
Classification: Benign for Palmoplantar keratoderma-esophageal carcinoma syndrome. Last evaluated: 2018-01-12. Review status: criteria provided, single submitter. Criteria: ICSL Variant Classification Criteria 13 December 2019. Collection method: clinical testing. Allele origin: germline.
Comment: This variant was observed in the ICSL laboratory as part of a predisposition screen in an ostensibly healthy population. It had not been previously curated by ICSL or reported in the Human Gene Mutation Database (HGMD: prior to June 1st, 2018), and was therefore a candidate for classification through an automated scoring system. Utilizing variant allele frequency, disease prevalence and penetrance estimates, and inheritance mode, an automated score was calculated to assess if this variant is too frequent to cause the disease. Based on the score and internal cut-off values, a variant classified as benign is not then subjected to further curation. The score for this variant resulted in a classification of benign for this disease.

Breakthrough Genomics
Classification: Benign. Review status: criteria provided, single submitter. Criteria: ACMG Guidelines, 2015. Collection method: not provided. Allele origin: germline. Inheritance: Autosomal dominant inheritance. Affected: yes.

Diagnostic Laboratory, Department of Genetics, University Medical Center Groningen
Classification: Benign. Review status: no assertion criteria provided. Collection method: clinical testing. Allele origin: germline. Affected: yes. Study: VKGL Data-share Consensus. Not counted in ClinVar's aggregate classification.

Joint Genome Diagnostic Labs from Nijmegen and Maastricht, Radboudumc and MUMC+
Classification: Benign. Review status: no assertion criteria provided. Collection method: clinical testing. Allele origin: germline. Affected: yes. Study: VKGL Data-share Consensus. Not counted in ClinVar's aggregate classification.